The following is an entry in ClinVar:

NM_001379270.1(CNGA1):c.1867G>T (p.Val623Phe)

Genes: CNGA1 (cyclic nucleotide gated channel subunit alpha 1; minus strand), LOC101927157 (uncharacterized LOC101927157; plus strand). Cytogenetic location: 4p12.
Variant type: single nucleotide variant.
Coding change: c.1867G>T on transcript NM_001379270.1 (MANE Select); coding-DNA position 1867, G replaced by T.
Protein change: p.Val623Phe; replaces valine 623 with phenylalanine.
Molecular consequence: missense variant.
Genome position (GRCh38, 1-based): chr4:47,936,615, C>A on the plus strand (G>T on the coding strand, the complement: CNGA1 is on the minus strand). VCF-style: chr4-47936615-C-A. GRCh37 (hg19) VCF-style: chr4-47938632-C-A.
Other names: c.1867G>T, p.Val623Phe (NM_000087.5, NM_001142564.2); c.1879G>T (NM_000087.4); short protein forms V623F.
Identifiers: ClinVar variation 837882 (VCV000837882.9), dbSNP rs758429898, ClinGen allele CA2911004.

ClinVar aggregate classification (germline): Uncertain significance. Review status: criteria provided, single submitter (1 of 4 stars). 2 submissions from 2 submitters: Uncertain significance (1). 1 of the submissions does not count toward it. Last evaluated 2022-10-18.

Conditions:
Retinal dystrophy. Also called: Inherited retinal dystrophy. Identifiers: Orphanet 71862, MedGen C0854723, MeSH D058499, MONDO:0019118, HP:0000556.

Allele frequency attached by ClinVar (database versions not stated): gnomAD exomes 0.00001; TOPMed 0.00001; ExAC 0.00002.
gnomAD v4.1: 11 of 1,614,028 alleles (0.00068%); highest among the groups gnomAD compares: Middle Eastern, 0.033%; no homozygotes.

Submissions (2):

Labcorp Genetics (formerly Invitae), Labcorp
Classification: Uncertain significance. Last evaluated: 2022-10-18. Review status: criteria provided, single submitter. Criteria: Invitae Variant Classification Sherloc (09022015). Collection method: clinical testing. Allele origin: germline.
Comment: This sequence change replaces valine, which is neutral and non-polar, with phenylalanine, which is neutral and non-polar, at codon 627 of the CNGA1 protein (p.Val627Phe). This variant is present in population databases (rs758429898, gnomAD 0.007%). This variant has not been reported in the literature in individuals affected with CNGA1-related conditions. ClinVar contains an entry for this variant (Variation ID: 837882). Algorithms developed to predict the effect of missense changes on protein structure and function are either unavailable or do not agree on the potential impact of this missense change (SIFT: "Deleterious"; PolyPhen-2: "Probably Damaging"; Align-GVGD: "Class C0"). In summary, the available evidence is currently insufficient to determine the role of this variant in disease. Therefore, it has been classified as a Variant of Uncertain Significance.

Institute of Human Genetics, Univ. Regensburg, Univ. Regensburg
Classification: Uncertain significance for Retinal dystrophy. Last evaluated: 2018-01-01. Review status: no assertion criteria provided. Criteria: ACMG Guidelines, 2015. Collection method: clinical testing. Allele origin: germline. Affected: yes. Not counted in ClinVar's aggregate classification.